The following is an entry in ClinVar:

ClinVar aggregate classification (germline): Uncertain significance (1 of 4 stars; one submission).

Conditions:
Developmental and epileptic encephalopathy, 23 (DEE23). Also called: Epileptic encephalopathy, early infantile, 23. Identifiers: Orphanet 411986, MedGen C4014492, MONDO:0014371, OMIM 615859.

Submission:

Labcorp Genetics (formerly Invitae), Labcorp
Classification: Uncertain significance for Developmental and epileptic encephalopathy, 23. Last evaluated: 2022-09-01. Review status: criteria provided, single submitter. Criteria: Invitae Variant Classification Sherloc (09022015). Collection method: clinical testing. Allele origin: germline.
Comment: This missense change has been observed in individual(s) with clinical features of DOCK7-related conditions (Invitae). In summary, the available evidence is currently insufficient to determine the role of this variant in disease. Therefore, it has been classified as a Variant of Uncertain Significance. Algorithms developed to predict the effect of missense changes on protein structure and function are either unavailable or do not agree on the potential impact of this missense change (SIFT: "Deleterious"; PolyPhen-2: "Probably Damaging"; Align-GVGD: "Class C0"). ClinVar contains an entry for this variant (Variation ID: 1346605). This variant is not present in population databases (gnomAD no frequency). This sequence change replaces leucine, which is neutral and non-polar, with proline, which is neutral and non-polar, at codon 502 of the DOCK7 protein (p.Leu502Pro).

NM_001367561.1(DOCK7):c.1505T>C (p.Leu502Pro)

Gene: DOCK7 (dedicator of cytokinesis 7; minus strand). Cytogenetic location: 1p31.3.
Variant type: single nucleotide variant.
Coding change: c.1505T>C on transcript NM_001367561.1 (MANE Select); coding-DNA position 1505, T replaced by C.
Protein change: p.Leu502Pro; replaces leucine 502 with proline.
Molecular consequence: missense variant.
Genome position (GRCh38, 1-based): chr1:62,619,914, A>G on the plus strand (T>C on the coding strand, the complement: DOCK7 is on the minus strand). VCF-style: chr1-62619914-A-G. GRCh37 (hg19) VCF-style: chr1-63085585-A-G.
Other names: c.1505T>C, p.Leu502Pro (NM_001271999.2, NM_001272000.2, NM_001272001.2 and 3 more transcripts); short protein forms L502P.
Identifiers: ClinVar variation 1346605 (VCV001346605.8), dbSNP rs2149588716, ClinGen allele CA340614171.
Genomic context (GRCh38, chr1:62,619,914, plus strand): 5'-GTGATAATAATAGTTGCAACCATTTCTACTCAAAATTTTTAAATACCTGTAATAGGTCTT[A>G]GTCGCCGTAAGACAGAAGATGGCCTTCTCATATCAGCAAGGAATTTGTAGAGATCTTCAT-3'
Protein context (NP_001354490.1, residues 492-512): MRRPSSVLRR[Leu502Pro]RPITAQLKID